The following is an entry in ClinVar:

ClinVar aggregate classification (germline): Uncertain significance. Review status: criteria provided, multiple submitters, no conflicts (2 of 4 stars). 2 submissions from 2 submitters: Uncertain significance (2). Last evaluated 2024-11-18.

Conditions:
Spondylometaphyseal dysplasia - Sutcliffe type. Also called: Spondylometaphyseal dysplasia, 'corner fracture' type; Spondylometaphyseal Dysplasia, Corner Fracture Type; Sutcliffe type of spondylometaphyseal dysplasia; Sutcliffe SMD. Identifiers: Orphanet 93315, MedGen C0432221, MONDO:0008479, OMIM 184255.
Glomerulopathy with fibronectin deposits 2 (GFND2). Identifiers: Orphanet 84090, MedGen C1866075, MONDO:0011165, OMIM 601894.

Allele frequency attached by ClinVar (database versions not stated): gnomAD 0.00001 and 0.00002; gnomAD exomes 0.00001; TOPMed 0.00001; ExAC 0.00002; 1000 Genomes Project 30x 0.00016; 1000 Genomes Project 0.00020.
gnomAD v4.1: 15 of 1,612,558 alleles (0.00093%); highest among the groups gnomAD compares: Non-Finnish European, 0.0013%; no homozygotes.

Submissions (2):

Labcorp Genetics (formerly Invitae), Labcorp
Classification: Uncertain significance. Last evaluated: 2024-11-18. Review status: criteria provided, single submitter. Criteria: Invitae Variant Classification Sherloc (09022015). Collection method: clinical testing. Allele origin: germline.
Comment: This sequence change replaces lysine, which is basic and polar, with glutamic acid, which is acidic and polar, at codon 1887 of the FN1 protein (p.Lys1887Glu). This variant is present in population databases (rs145946514, gnomAD 0.003%). This variant has not been reported in the literature in individuals affected with FN1-related conditions. ClinVar contains an entry for this variant (Variation ID: 1493939). An algorithm developed to predict the effect of missense changes on protein structure and function (PolyPhen-2) suggests that this variant is likely to be disruptive. In summary, the available evidence is currently insufficient to determine the role of this variant in disease. Therefore, it has been classified as a Variant of Uncertain Significance.

Fulgent Genetics
Classification: Uncertain significance for Spondylometaphyseal dysplasia - Sutcliffe type; Glomerulopathy with fibronectin deposits 2. Last evaluated: 2022-01-27. Review status: criteria provided, single submitter. Criteria: ACMG Guidelines, 2015. Collection method: clinical testing. Allele origin: unknown.

NM_212482.4(FN1):c.5659A>G (p.Lys1887Glu)

Gene: FN1 (fibronectin 1; minus strand). Cytogenetic location: 2q35.
Variant type: single nucleotide variant.
Coding change: c.5659A>G on transcript NM_212482.4 (MANE Select); coding-DNA position 5659, A replaced by G.
Protein change: p.Lys1887Glu; replaces lysine 1887 with glutamic acid.
Molecular consequence: missense variant.
Genome position (GRCh38, 1-based): chr2:215,378,226, T>C on the plus strand (A>G on the coding strand, the complement: FN1 is on the minus strand). VCF-style: chr2-215378226-T-C. GRCh37 (hg19) VCF-style: chr2-216242949-T-C.
Other names: c.5386A>G, p.Lys1796Glu (NM_212478.3, NM_001365518.2, NM_001365520.2 and 2 more transcripts); c.5659A>G, p.Lys1887Glu (NM_001306129.2); c.5389A>G, p.Lys1797Glu (NM_001306130.2, NM_001365517.2, NM_001365519.2 and 2 more transcripts); c.5116A>G, p.Lys1706Glu (NM_001306131.2, NM_001306132.2, NM_001365523.2 and 2 more transcripts); short protein forms K1796E, K1706E, K1797E, K1887E.
Identifiers: ClinVar variation 1493939 (VCV001493939.7), dbSNP rs145946514, ClinGen allele CA2094065.